The following is an entry in ClinVar:

NM_000075.4(CDK4):c.498C>T (p.Ser166=)

Gene: CDK4 (cyclin dependent kinase 4; minus strand). Cytogenetic location: 12q14.1.
Variant type: single nucleotide variant.
Coding change: c.498C>T on transcript NM_000075.4 (MANE Select); coding-DNA position 498, C replaced by T.
Protein change: p.Ser166=; no amino-acid change (serine 166 retained).
Molecular consequence: synonymous variant.
Genome position (GRCh38, 1-based): chr12:57,750,947, G>A on the plus strand (C>T on the coding strand, the complement: CDK4 is on the minus strand). VCF-style: chr12-57750947-G-A. GRCh37 (hg19) VCF-style: chr12-58144730-G-A.
Identifiers: ClinVar variation 1744573 (VCV001744573.4), dbSNP rs2140386349, ClinGen allele CA480404385.

ClinVar aggregate classification (germline): Benign/Likely benign. Review status: criteria provided, multiple submitters, no conflicts (2 of 4 stars). 3 submissions from 3 submitters: Benign (1); Likely benign (2). Last evaluated 2026-01-19.

Conditions:
Familial melanoma. Also called: Hereditary melanoma; Hereditary cutaneous melanoma. Identifiers: Orphanet 618, MedGen C1512419, MONDO:0018961.
Hereditary cancer-predisposing syndrome. Also called: Hereditary Cancer Syndrome; Neoplastic Syndromes, Hereditary; Tumor predisposition; Hereditary neoplastic syndrome. Identifiers: Orphanet 140162, MedGen C0027672, MeSH D009386, MONDO:0015356.
Melanoma, cutaneous malignant, susceptibility to, 3. Also called: Cutaneous malignant melanoma 3. Identifiers: Orphanet 618, MedGen C1836892, MONDO:0012183, OMIM 609048.

Allele frequency attached by ClinVar (database versions not stated): gnomAD exomes below 0.00001.

Submissions (3):

Labcorp Genetics (formerly Invitae), Labcorp
Classification: Likely benign for Familial melanoma. Last evaluated: 2026-01-19. Review status: criteria provided, single submitter. Criteria: Invitae Variant Classification Sherloc (09022015). Collection method: clinical testing. Allele origin: germline.

Myriad Genetics, Inc.
Classification: Benign for Melanoma, cutaneous malignant, susceptibility to, 3. Last evaluated: 2024-09-25. Review status: criteria provided, single submitter. Criteria: Myriad Autosomal Dominant, Autosomal Recessive and X-Linked Classification Criteria (2023). Collection method: clinical testing. Allele origin: unknown.
Comment: This variant is considered benign. This variant is a silent/synonymous amino acid change and it is not expected to impact splicing.

Ambry Genetics
Classification: Likely benign for Hereditary cancer-predisposing syndrome. Last evaluated: 2022-05-22. Review status: criteria provided, single submitter. Criteria: Ambry Variant Classification Scheme 2023. Collection method: clinical testing. Allele origin: germline.